The following is an entry in ClinVar:

ClinVar aggregate classification (germline): Uncertain significance (1 of 4 stars; one submission).

Conditions:
Hereditary cancer-predisposing syndrome. Also called: Neoplastic Syndromes, Hereditary; Tumor predisposition; Hereditary Cancer Syndrome; Hereditary neoplastic syndrome. Identifiers: Orphanet 140162, MedGen C0027672, MeSH D009386, MONDO:0015356.

Submission:

Ambry Genetics
Classification: Uncertain significance for Hereditary cancer-predisposing syndrome. Last evaluated: 2016-01-13. Review status: criteria provided, single submitter. Criteria: Ambry Variant Classification Scheme 2023. Collection method: clinical testing. Allele origin: germline.
Comment: The p.C42Y variant (also known as c.125G>A), located in coding exon 2 of the BRIP1 gene, results from a G to A substitution at nucleotide position 125. The cysteine at codon 42 is replaced by tyrosine, an amino acid with highly dissimilar properties. This variant was not reported in population based cohorts in the following databases: Database of Single Nucleotide Polymorphisms (dbSNP), NHLBI Exome Sequencing Project (ESP), and 1000 Genomes Project. In the ESP, this variant was not observed in 6503 samples (13006 alleles) with coverage at this position. To date, this alteration has been detected with an allele frequency of approximately 0.001% (greater than 120000 alleles tested) in our clinical cohort. This amino acid position is highly conserved in available vertebrate species. In addition, this alteration is predicted to be deleterious by in silico analysis. Since supporting evidence is limited at this time, the clinical significance of p.C42Y remains unclear.

NM_032043.3(BRIP1):c.125G>A (p.Cys42Tyr)

Gene: BRIP1 (BRCA1 interacting DNA helicase 1; minus strand). Cytogenetic location: 17q23.2.
Variant type: single nucleotide variant.
Coding change: c.125G>A on transcript NM_032043.3 (MANE Select); coding-DNA position 125, G replaced by A.
Protein change: p.Cys42Tyr; replaces cysteine 42 with tyrosine.
Molecular consequence: missense variant.
Genome position (GRCh38, 1-based): chr17:61,859,876, C>T on the plus strand (G>A on the coding strand, the complement: BRIP1 is on the minus strand). VCF-style: chr17-61859876-C-T. GRCh37 (hg19) VCF-style: chr17-59937237-C-T.
Other names: short protein forms C42Y.
Identifiers: ClinVar variation 483150 (VCV000483150.5), dbSNP rs1555618423, ClinGen allele CA400485817.